The following is an entry in ClinVar:

ClinVar aggregate classification (germline): Uncertain significance (1 of 4 stars; one submission).

Conditions:
Brugada syndrome 8 (BRGDA8). Identifiers: Orphanet 130, MedGen C2751083, MONDO:0013148, OMIM 613123.

gnomAD v4.1: 2 of 1,522,264 alleles (0.00013%); highest among the groups gnomAD compares: African/African-American, 0.0014%; no homozygotes.

Submission:

Labcorp Genetics (formerly Invitae), Labcorp
Classification: Uncertain significance for Brugada syndrome 8. Last evaluated: 2025-01-19. Review status: criteria provided, single submitter. Criteria: Invitae Variant Classification Sherloc (09022015). Collection method: clinical testing. Allele origin: germline.
Comment: This sequence change replaces alanine, which is neutral and non-polar, with serine, which is neutral and polar, at codon 1088 of the HCN4 protein (p.Ala1088Ser). This variant is not present in population databases (gnomAD no frequency). This variant has not been reported in the literature in individuals affected with HCN4-related conditions. Invitae Evidence Modeling of protein sequence and biophysical properties (such as structural, functional, and spatial information, amino acid conservation, physicochemical variation, residue mobility, and thermodynamic stability) indicates that this missense variant is not expected to disrupt HCN4 protein function with a negative predictive value of 95%. In summary, the available evidence is currently insufficient to determine the role of this variant in disease. Therefore, it has been classified as a Variant of Uncertain Significance.

NM_005477.3(HCN4):c.3262G>T (p.Ala1088Ser)

Gene: HCN4 (hyperpolarization activated cyclic nucleotide gated potassium channel 4; minus strand). Cytogenetic location: 15q24.1.
Variant type: single nucleotide variant.
Coding change: c.3262G>T on transcript NM_005477.3 (MANE Select); coding-DNA position 3262, G replaced by T.
Protein change: p.Ala1088Ser; replaces alanine 1088 with serine.
Molecular consequence: missense variant.
Genome position (GRCh38, 1-based): chr15:73,322,831, C>A on the plus strand (G>T on the coding strand, the complement: HCN4 is on the minus strand). VCF-style: chr15-73322831-C-A. GRCh37 (hg19) VCF-style: chr15-73615172-C-A.
Other names: short protein forms A1088S.
Identifiers: ClinVar variation 3682549 (VCV003682549.2).